The following is an entry in ClinVar:

NM_001376.5(DYNC1H1):c.7966G>A (p.Gly2656Arg)

Gene: DYNC1H1 (dynein cytoplasmic 1 heavy chain 1; plus strand). Cytogenetic location: 14q32.31.
Variant type: single nucleotide variant.
Coding change: c.7966G>A on transcript NM_001376.5 (MANE Select); coding-DNA position 7966, G replaced by A.
Protein change: p.Gly2656Arg; replaces glycine 2656 with arginine.
Molecular consequence: missense variant.
Genome position (GRCh38, 1-based): chr14:102,017,205, G>A. VCF-style: chr14-102017205-G-A. GRCh37 (hg19) VCF-style: chr14-102483542-G-A.
Other names: short protein forms G2656R.
Identifiers: ClinVar variation 2701920 (VCV002701920.3), dbSNP rs2503773066, ClinGen allele CA391003815.

ClinVar aggregate classification (germline): Uncertain significance (1 of 4 stars; one submission).

Conditions:
Charcot-Marie-Tooth disease axonal type 2O. Also called: Charcot-Marie-Tooth disease, axonal, type 20; CHARCOT-MARIE-TOOTH NEUROPATHY, AXONAL, TYPE 2O; CHARCOT-MARIE-TOOTH DISEASE, AXONAL, AUTOSOMAL DOMINANT, TYPE 2O; Charcot-Marie-Tooth Neuropathy Type 2O. Identifiers: Orphanet 284232, MedGen C3280220, MONDO:0013644, OMIM 614228.

Submission:

Labcorp Genetics (formerly Invitae), Labcorp
Classification: Uncertain significance for Charcot-Marie-Tooth disease axonal type 2O. Last evaluated: 2023-09-10. Review status: criteria provided, single submitter. Criteria: Invitae Variant Classification Sherloc (09022015). Collection method: clinical testing. Allele origin: germline.
Comment: In summary, the available evidence is currently insufficient to determine the role of this variant in disease. Therefore, it has been classified as a Variant of Uncertain Significance. Advanced modeling of protein sequence and biophysical properties (such as structural, functional, and spatial information, amino acid conservation, physicochemical variation, residue mobility, and thermodynamic stability) performed at Invitae indicates that this missense variant is expected to disrupt DYNC1H1 protein function. This variant has not been reported in the literature in individuals affected with DYNC1H1-related conditions. This variant is not present in population databases (gnomAD no frequency). This sequence change replaces glycine, which is neutral and non-polar, with arginine, which is basic and polar, at codon 2656 of the DYNC1H1 protein (p.Gly2656Arg).